The following is an entry in ClinVar:

NM_199461.4(NANOS1):c.413C>G (p.Pro138Arg)

Gene: NANOS1 (nanos C2HC-type zinc finger 1; plus strand). Cytogenetic location: 10q26.11.
Variant type: single nucleotide variant.
Coding change: c.413C>G on transcript NM_199461.4 (MANE Select); coding-DNA position 413, C replaced by G.
Protein change: p.Pro138Arg; replaces proline 138 with arginine.
Molecular consequence: missense variant.
Genome position (GRCh38, 1-based): chr10:119,030,214, C>G. VCF-style: chr10-119030214-C-G. GRCh37 (hg19) VCF-style: chr10-120789726-C-G.
Other names: short protein forms P138R.
Identifiers: ClinVar variation 2582882 (VCV002582882.25), dbSNP rs200443184, ClinGen allele CA378272265.

ClinVar aggregate classification (germline): Uncertain significance (1 of 4 stars; one submission).

Submission:

CeGaT Center for Human Genetics Tuebingen
Classification: Uncertain significance. Last evaluated: 2023-09-01. Review status: criteria provided, single submitter. Criteria: CeGaT Center For Human Genetics Tuebingen Variant Classification Criteria Version 2. Collection method: clinical testing. Allele origin: germline. Affected: yes. Observed: 1 variant allele.
Comment: NANOS1: PM2, PP2